The following is an entry in ClinVar:

NM_001079872.2(CUL4B):c.1766A>G (p.Tyr589Cys)

Gene: CUL4B (cullin 4B; minus strand). Cytogenetic location: Xq24.
Variant type: single nucleotide variant.
Coding change: c.1766A>G on transcript NM_001079872.2 (MANE Select); coding-DNA position 1766, A replaced by G.
Protein change: p.Tyr589Cys; replaces tyrosine 589 with cysteine.
Molecular consequence: missense variant.
Genome position (GRCh38, 1-based): chrX:120,538,746, T>C on the plus strand (A>G on the coding strand, the complement: CUL4B is on the minus strand). VCF-style: chrX-120538746-T-C. GRCh37 (hg19) VCF-style: chrX-119672601-T-C.
Other names: c.1781A>G, p.Tyr594Cys (NM_001330624.2); c.1232A>G, p.Tyr411Cys (NM_001369145.1); c.1820A>G, p.Tyr607Cys (NM_003588.4); short protein forms Y411C, Y589C, Y594C, Y607C.
Identifiers: ClinVar variation 4993359 (VCV004993359.1).

ClinVar aggregate classification (germline): Uncertain significance (1 of 4 stars; one submission).

Conditions:
CUL4B-related disorder. Also called: CUL4B-related condition.

Submission:

PreventionGenetics, part of Exact Sciences
Classification: Uncertain significance for CUL4B-related condition. Last evaluated: 2025-09-01. Review status: criteria provided, single submitter. Criteria: ACMG Guidelines, 2015. Collection method: clinical testing. Allele origin: germline.
Comment: The CUL4B c.1820A>G variant is predicted to result in the amino acid substitution p.Tyr607Cys. To our knowledge, this variant has not been reported in the literature or in a large population database (gnomAD), indicating this variant is rare. At this time, the clinical significance of this variant is uncertain due to the absence of conclusive functional and genetic evidence.